The following is an entry in ClinVar:

ClinVar aggregate classification (germline): Uncertain significance (1 of 4 stars; one submission).

Conditions:
Microcephaly-intellectual disability-sensorineural hearing loss-epilepsy-abnormal muscle tone syndrome (NEDHSB). Also called: NEURODEVELOPMENTAL DISORDER WITH HEARING LOSS, SEIZURES, AND BRAIN ABNORMALITIES. Identifiers: Orphanet 457351, MedGen C4225276, MONDO:0014698, OMIM 616577.

Allele frequency attached by ClinVar (database versions not stated): gnomAD exomes below 0.00001; gnomAD 0.00001.
gnomAD v4.1: 2 of 1,596,150 alleles (0.00013%); highest among the groups gnomAD compares: Admixed American, 0.0018%; no homozygotes.

Submission:

Labcorp Genetics (formerly Invitae), Labcorp
Classification: Uncertain significance for Microcephaly-intellectual disability-sensorineural hearing loss-epilepsy-abnormal muscle tone syndrome. Last evaluated: 2022-10-04. Review status: criteria provided, single submitter. Criteria: Invitae Variant Classification Sherloc (09022015). Collection method: clinical testing. Allele origin: germline.
Comment: In summary, the available evidence is currently insufficient to determine the role of this variant in disease. Therefore, it has been classified as a Variant of Uncertain Significance. Advanced modeling of protein sequence and biophysical properties (such as structural, functional, and spatial information, amino acid conservation, physicochemical variation, residue mobility, and thermodynamic stability) performed at Invitae indicates that this missense variant is not expected to disrupt SPATA5 protein function. This variant has not been reported in the literature in individuals affected with SPATA5-related conditions. This variant is present in population databases (no rsID available, gnomAD 0.1%). This sequence change replaces methionine, which is neutral and non-polar, with isoleucine, which is neutral and non-polar, at codon 144 of the SPATA5 protein (p.Met144Ile).

NM_145207.3(AFG2A):c.432G>A (p.Met144Ile)

Gene: AFG2A (AAA ATPase AFG2A; plus strand). Cytogenetic location: 4q28.1.
Variant type: single nucleotide variant.
Coding change: c.432G>A on transcript NM_145207.3 (MANE Select); coding-DNA position 432, G replaced by A.
Protein change: p.Met144Ile; replaces methionine 144 with isoleucine.
Molecular consequence: missense variant.
Genome position (GRCh38, 1-based): chr4:122,929,183, G>A. VCF-style: chr4-122929183-G-A. GRCh37 (hg19) VCF-style: chr4-123850338-G-A.
Other names: c.429G>A, p.Met143Ile (NM_001317799.2, NM_001345856.2); short protein forms M143I, M144I.
Identifiers: ClinVar variation 2114269 (VCV002114269.3), dbSNP rs1225448099, ClinGen allele CA358100225.